The following is an entry in ClinVar:

ClinVar aggregate classification (germline): Likely pathogenic (1 of 4 stars; one submission).

Submission:

GeneDx
Classification: Likely pathogenic. Last evaluated: 2025-01-27. Review status: criteria provided, single submitter. Criteria: GeneDx Variant Classification Process June 2021. Collection method: clinical testing. Allele origin: germline. Affected: yes.
Comment: In-frame deletion of 2 amino acids and insertion of 4 different amino acids in a non-repeat region; In silico analysis supports a deleterious effect on protein structure/function; Not observed at significant frequency in large population cohorts (gnomAD); Has not been previously published as pathogenic or benign to our knowledge

NM_001348716.2(KDM6B):c.1108_1115delinsCGTTTCACCAGCAG (p.Met370_Asp371delinsArgPheThrSer)

Gene: KDM6B (lysine demethylase 6B; plus strand). Cytogenetic location: 17p13.1.
Variant type: Indel.
Coding change: c.1108_1115delinsCGTTTCACCAGCAG on transcript NM_001348716.2 (MANE Select); coding-DNA positions 1108 to 1115, ATGGACTC replaced by CGTTTCACCAGCAG.
Protein change: p.Met370_Asp371delinsArgPheThrSer.
Molecular consequence: inframe indel.
Genome position (GRCh38, 1-based): chr17:7,847,303-7,847,310, ATGGACTC replaced by CGTTTCACCAGCAG. VCF-style: chr17-7847303-ATGGACTC-CGTTTCACCAGCAG. GRCh37 (hg19) VCF-style: chr17-7750621-ATGGACTC-CGTTTCACCAGCAG.
Other names: c.1108_1115delinsCGTTTCACCAGCAG, p.Met370_Asp371delinsArgPheThrSer (NM_001080424.2).
Identifiers: ClinVar variation 4072490 (VCV004072490.1).